The following is an entry in ClinVar:

ClinVar aggregate classification (germline): Uncertain significance (1 of 4 stars; one submission).

Conditions:
Immunodeficiency 51 (IMD51). Also called: CANDIDIASIS, FAMILIAL, 5. Identifiers: Orphanet 1334, MedGen C4310803, MONDO:0013500, OMIM 613953.

Allele frequency attached by ClinVar (database versions not stated): gnomAD exomes below 0.00001; gnomAD 0.00001; TOPMed 0.00002.
gnomAD v4.1: 7 of 1,537,410 alleles (0.00046%); highest among the groups gnomAD compares: African/African-American, 0.0014%; no homozygotes.

Submission:

Labcorp Genetics (formerly Invitae), Labcorp
Classification: Uncertain significance for Immunodeficiency 51. Last evaluated: 2022-06-26. Review status: criteria provided, single submitter. Criteria: Invitae Variant Classification Sherloc (09022015). Collection method: clinical testing. Allele origin: germline.
Comment: This sequence change replaces glutamic acid, which is acidic and polar, with lysine, which is basic and polar, at codon 642 of the IL17RA protein (p.Glu642Lys). This variant is not present in population databases (gnomAD no frequency). This variant has not been reported in the literature in individuals affected with IL17RA-related conditions. Algorithms developed to predict the effect of missense changes on protein structure and function (SIFT, PolyPhen-2, Align-GVGD) all suggest that this variant is likely to be tolerated. In summary, the available evidence is currently insufficient to determine the role of this variant in disease. Therefore, it has been classified as a Variant of Uncertain Significance.

NM_014339.7(IL17RA):c.1924G>A (p.Glu642Lys)

Gene: IL17RA (interleukin 17 receptor A; plus strand). Cytogenetic location: 22q11.1.
Variant type: single nucleotide variant.
Coding change: c.1924G>A on transcript NM_014339.7 (MANE Select); coding-DNA position 1924, G replaced by A.
Protein change: p.Glu642Lys; replaces glutamic acid 642 with lysine.
Molecular consequence: missense variant.
Genome position (GRCh38, 1-based): chr22:17,109,143, G>A. VCF-style: chr22-17109143-G-A. GRCh37 (hg19) VCF-style: chr22-17590033-G-A.
Other names: c.1822G>A, p.Glu608Lys (NM_001289905.2); short protein forms E608K, E642K.
Identifiers: ClinVar variation 1942862 (VCV001942862.2), dbSNP rs1346358296, ClinGen allele CA410219492.